The following is an entry in ClinVar:

NM_001110556.2(FLNA):c.49C>T (p.Pro17Ser)

Gene: FLNA (filamin A; minus strand). Cytogenetic location: Xq28.
Variant type: single nucleotide variant.
Coding change: c.49C>T on transcript NM_001110556.2 (MANE Select); coding-DNA position 49, C replaced by T.
Protein change: p.Pro17Ser; replaces proline 17 with serine.
Molecular consequence: missense variant.
Genome position (GRCh38, 1-based): chrX:154,371,197, G>A on the plus strand (C>T on the coding strand, the complement: FLNA is on the minus strand). VCF-style: chrX-154371197-G-A. GRCh37 (hg19) VCF-style: chrX-153599565-G-A.
Other names: c.49C>T, p.Pro17Ser (NM_001456.4); short protein forms P17S.
Identifiers: ClinVar variation 1955612 (VCV001955612.5), dbSNP rs1229353720, ClinGen allele CA415255796.

ClinVar aggregate classification (germline): Uncertain significance (1 of 4 stars; one submission).

Conditions:
Heterotopia, periventricular, X-linked dominant (PVNH1). Also called: PERIVENTRICULAR NODULAR HETEROTOPIA 1; PERIVENTRICULAR NODULAR HETEROTOPIA 4; HETEROTOPIA, PERIVENTRICULAR, 1; X-linked periventricular heterotopia. Identifiers: Orphanet 2149, Orphanet 82004, MedGen C1848213, MONDO:0010233, OMIM 300049.
Melnick-Needles syndrome (MNS). Also called: Melnick-Needles Syndrome (FLNA-MNS); MELNICK-NEEDLES OSTEODYSPLASTY; OSTEODYSPLASTY OF MELNICK AND NEEDLES. Identifiers: Orphanet 2484, MedGen C0025237, MONDO:0010650, OMIM 309350.
Oto-palato-digital syndrome, type II (OPD2). Also called: Otopalatodigital Syndrome Type 2 (FLNA-OPD2); FACIOPALATOOSSEOUS SYNDROME; OPD II SYNDROME; Otopalatodigital Syndrome, Type II. Identifiers: Orphanet 669, Orphanet 90652, MedGen C1844696, MONDO:0010571, OMIM 304120.
Frontometaphyseal dysplasia (FMD1). Identifiers: Orphanet 1826, MedGen C0265293, MONDO:0015942.

Allele frequency attached by ClinVar (database versions not stated): TOPMed below 0.00001; gnomAD 0.00002.
gnomAD v4.1: 3 of 1,195,441 alleles (0.00025%); highest among the groups gnomAD compares: African/African-American, 0.0035%; no homozygotes.

Submission:

Labcorp Genetics (formerly Invitae), Labcorp
Classification: Uncertain significance for Oto-palato-digital syndrome, type II; Heterotopia, periventricular, X-linked dominant; Frontometaphyseal dysplasia; Melnick-Needles syndrome. Last evaluated: 2022-10-23. Review status: criteria provided, single submitter. Criteria: Invitae Variant Classification Sherloc (09022015). Collection method: clinical testing. Allele origin: germline.
Comment: This sequence change replaces proline, which is neutral and non-polar, with serine, which is neutral and polar, at codon 17 of the FLNA protein (p.Pro17Ser). This variant is not present in population databases (gnomAD no frequency). This variant has not been reported in the literature in individuals affected with FLNA-related conditions. Advanced modeling of protein sequence and biophysical properties (such as structural, functional, and spatial information, amino acid conservation, physicochemical variation, residue mobility, and thermodynamic stability) performed at Invitae indicates that this missense variant is not expected to disrupt FLNA protein function. In summary, the available evidence is currently insufficient to determine the role of this variant in disease. Therefore, it has been classified as a Variant of Uncertain Significance.